The following is an entry in ClinVar:

ClinVar aggregate classification (germline): Likely pathogenic (1 of 4 stars; one submission).

Conditions:
Hereditary cancer-predisposing syndrome. Also called: Hereditary Cancer Syndrome; Hereditary neoplastic syndrome; Tumor predisposition; Neoplastic Syndromes, Hereditary. Identifiers: Orphanet 140162, MedGen C0027672, MeSH D009386, MONDO:0015356.
Cardiovascular phenotype. Identifiers: MedGen CN230736.

Submission:

Ambry Genetics
Classification: Likely pathogenic for Cardiovascular phenotype; Hereditary cancer-predisposing syndrome. Last evaluated: 2024-07-17. Review status: criteria provided, single submitter. Criteria: Ambry Variant Classification Scheme 2023. Collection method: clinical testing. Allele origin: germline.
Comment: The c.651+4delA intronic variant, located in intron 7 of the LZTR1 gene, results from a deletion of one nucleotide within intron 7 of the LZTR1 gene. This nucleotide position is highly conserved in available vertebrate species. In silico splice site analysis predicts that this alteration will weaken the native splice donor site. RNA studies have demonstrated that this alteration results in abnormal splicing in the set of samples tested (Ambry internal data). Loss-of-function variants in LZTR1 are related to an increased risk for schwannomas and autosomal recessive Noonan syndrome; however, such associations with autosomal dominant Noonan syndrome have not been observed (Piotrowski A et al. Nat Genet. 2014 Feb;46:182-7; Yamamoto GL et al. J Med Genet. 2015 Jun;52:413-21; Johnston JJ et al. Genet Med. 2018 10;20:1175-1185). Based on the supporting evidence, this variant is likely pathogenic for an increased risk of LZTR1-related schwannomatosis (SWN) and would be expected to cause autosomal recessive Noonan syndrome when present along with a second pathogenic or likely pathogenic variant on the other allele; however, the association of this alteration with autosomal dominant Noonan syndrome is unlikely.

NM_006767.4(LZTR1):c.651+4del

Gene: LZTR1 (leucine zipper like post translational regulator 1; plus strand). Cytogenetic location: 22q11.21.
Variant type: Deletion.
Coding change: c.651+4del on transcript NM_006767.4 (MANE Select); 4 bases into the intron after coding-DNA position 651, one base deleted (A; older notation c.651+4delA).
Molecular consequence: intron variant.
Genome position (GRCh38, 1-based): chr22:20,989,686, A deleted. VCF-style (leftmost placement, unchanged base first): chr22-20989685-GA-G. GRCh37 (hg19) VCF-style: chr22-21343974-GA-G.
Identifiers: ClinVar variation 3541582 (VCV003541582.1).